The following is an entry in ClinVar:

ClinVar aggregate classification (germline): Benign. Review status: criteria provided, multiple submitters, no conflicts (2 of 4 stars). 6 submissions from 6 submitters: Benign (6). Last evaluated 2026-02-02.

Conditions:
Congenital myasthenic syndrome 12 (CMS12). Also called: Myasthenia, congenital, 12, with tubular aggregates; MYASTHENIC SYNDROME, CONGENITAL, WITH TUBULAR AGGREGATES 1. Identifiers: Orphanet 353327, Orphanet 590, MedGen C3552335, MONDO:0012518, OMIM 610542.

Allele frequency attached by ClinVar (database versions not stated): gnomAD exomes 0.00108 and 0.00309; 1000 Genomes Project 0.01118; 1000 Genomes Project 30x 0.01171; ESP Exome Variant Server 0.01415; ExAC 0.00394; gnomAD 0.01229 and 0.01153; TOPMed 0.01354.

Submissions (6):

Labcorp Genetics (formerly Invitae), Labcorp
Classification: Benign for Congenital myasthenic syndrome 12. Last evaluated: 2026-02-02. Review status: criteria provided, single submitter. Criteria: Invitae Variant Classification Sherloc (09022015). Collection method: clinical testing. Allele origin: germline.

Mayo Clinic Laboratories, Mayo Clinic
Classification: Benign. Last evaluated: 2025-07-17. Review status: criteria provided, single submitter. Criteria: ACMG Guidelines, 2015. Collection method: clinical testing. Allele origin: germline. Observed: 6 variant alleles.
Comment: BS1, BS2, BP4, BP7

Illumina Laboratory Services, Illumina
Classification: Benign for Congenital myasthenic syndrome 12. Last evaluated: 2018-01-13. Review status: criteria provided, single submitter. Criteria: ICSL Variant Classification Criteria 13 December 2019. Collection method: clinical testing. Allele origin: germline.
Comment: This variant was observed in the ICSL laboratory as part of a predisposition screen in an ostensibly healthy population. It had not been previously curated by ICSL or reported in the Human Gene Mutation Database (HGMD: prior to June 1st, 2018), and was therefore a candidate for classification through an automated scoring system. Utilizing variant allele frequency, disease prevalence and penetrance estimates, and inheritance mode, an automated score was calculated to assess if this variant is too frequent to cause the disease. Based on the score and internal cut-off values, a variant classified as benign is not then subjected to further curation. The score for this variant resulted in a classification of benign for this disease.

Athena Diagnostics
Classification: Benign. Last evaluated: 2017-11-07. Review status: criteria provided, single submitter. Criteria: Athena Diagnostics Criteria. Collection method: clinical testing. Allele origin: germline.

Breakthrough Genomics
Classification: Benign. Review status: criteria provided, single submitter. Criteria: ACMG Guidelines, 2015. Collection method: not provided. Allele origin: germline. Inheritance: Autosomal recessive inheritance. Affected: yes.

PreventionGenetics, part of Exact Sciences
Classification: Benign. Review status: criteria provided, single submitter. Criteria: ACMG Guidelines, 2015. Collection method: clinical testing. Allele origin: germline.

NM_001244710.2(GFPT1):c.408+7A>T

Gene: GFPT1 (glutamine--fructose-6-phosphate transaminase 1; minus strand). Cytogenetic location: 2p13.3.
Variant type: single nucleotide variant.
Coding change: c.408+7A>T on transcript NM_001244710.2 (MANE Select); 7 bases into the intron after coding-DNA position 408, A replaced by T.
Molecular consequence: intron variant.
Genome position (GRCh38, 1-based): chr2:69,359,261, T>A on the plus strand (A>T on the coding strand, the complement: GFPT1 is on the minus strand). VCF-style: chr2-69359261-T-A. GRCh37 (hg19) VCF-style: chr2-69586393-T-A.
Other names: p.?; c.408+7A>T (NM_002056.4).
Identifiers: ClinVar variation 257668 (VCV000257668.19), dbSNP rs112682152, ClinGen allele CA1693898.